The following is an entry in ClinVar:

ClinVar aggregate classification (germline): Uncertain significance (1 of 4 stars; one submission).

Conditions:
Inborn genetic diseases. Identifiers: MedGen C0950123, MeSH D030342.

gnomAD v4.1: 9 of 1,614,188 alleles (0.00056%); highest among the groups gnomAD compares: African/African-American, 0.0013%; no homozygotes.

Submission:

Ambry Genetics
Classification: Uncertain significance for Inborn genetic diseases. Last evaluated: 2026-05-27. Review status: criteria provided, single submitter. Criteria: Ambry Variant Classification Scheme 2023. Collection method: clinical testing. Allele origin: germline.
Comment: The c.841A>G (p.K281E) alteration is located in exon 8 (coding exon 8) of the DPF2 gene. This alteration results from a A to G substitution at nucleotide position 841, causing the lysine (K) at amino acid position 281 to be replaced by a glutamic acid (E). Based on data from gnomAD, the G allele has an overall frequency of <0.001% (1/251448) total alleles studied. The highest observed frequency was 0.001% (1/113730) of European (non-Finnish) alleles. Based on insufficient or conflicting evidence, the clinical significance of this alteration remains unclear.

NM_006268.5(DPF2):c.841A>G (p.Lys281Glu)

Gene: DPF2 (double PHD fingers 2; plus strand). Cytogenetic location: 11q13.1.
Variant type: single nucleotide variant.
Coding change: c.841A>G on transcript NM_006268.5 (MANE Select); coding-DNA position 841, A replaced by G.
Protein change: p.Lys281Glu; replaces lysine 281 with glutamic acid.
Molecular consequence: missense variant.
Genome position (GRCh38, 1-based): chr11:65,345,995, A>G. VCF-style: chr11-65345995-A-G. GRCh37 (hg19) VCF-style: chr11-65113466-A-G.
Other names: c.883A>G, p.Lys295Glu (NM_001330308.2); short protein forms K281E, K295E.
Identifiers: ClinVar variation 4870081 (VCV004870081.1).